The following is an entry in ClinVar:

NM_001278716.2(FBXL4):c.221C>G (p.Thr74Ser)

Gene: FBXL4 (F-box and leucine rich repeat protein 4; minus strand). Cytogenetic location: 6q16.2.
Variant type: single nucleotide variant.
Coding change: c.221C>G on transcript NM_001278716.2 (MANE Select); coding-DNA position 221, C replaced by G.
Protein change: p.Thr74Ser; replaces threonine 74 with serine.
Molecular consequence: missense variant. On other transcripts: non-coding transcript variant (2).
Genome position (GRCh38, 1-based): chr6:98,926,768, G>C on the plus strand (C>G on the coding strand, the complement: FBXL4 is on the minus strand). VCF-style: chr6-98926768-G-C. GRCh37 (hg19) VCF-style: chr6-99374644-G-C.
Other names: c.221C>G, p.Thr74Ser (NM_012160.5); short protein forms T74S.
Identifiers: ClinVar variation 437554 (VCV000437554.1), dbSNP rs779472232, ClinGen allele CA3933717.
Genomic context (GRCh38, chr6:98,926,768, plus strand): 5'-GTCTGAGTAAAGTCACCAGAACTTGGGAATACATTTGGTACACCAGCCAAATTCCACATA[G>C]TATAGGACATACTATTCTCACTTCCATAATGGGAACTGAAATCCACTACTTCTTTGGCAT-3'
Protein context (NP_001265645.1, residues 64-84): HYGSENSMSY[Thr74Ser]MWNLAGVPNV

ClinVar aggregate classification (germline): Uncertain significance (1 of 4 stars; one submission).

Conditions:
Mitochondrial DNA depletion syndrome 13. Also called: FBXL4-Related Encephalomyopathic Mitochondrial DNA Depletion Syndrome; Mitochondrial DNA depletion syndrome 13 (encephalomyopathic type). Identifiers: Orphanet 369897, MedGen C3809592, MONDO:0014198, OMIM 615471.

Allele frequency attached by ClinVar (database versions not stated): TOPMed 0.00002; gnomAD exomes below 0.00001; ExAC 0.00001; gnomAD 0.00003.
gnomAD v4.1: 4 of 1,614,032 alleles (0.00025%); highest among the groups gnomAD compares: African/African-American, 0.0053%; no homozygotes.

Submission:

Wong Mito Lab, Molecular and Human Genetics, Baylor College of Medicine
Classification: Uncertain significance for Mitochondrial DNA depletion syndrome 13. Last evaluated: 2017-08-10. Review status: criteria provided, single submitter. Criteria: ACMG Guidelines, 2015. Collection method: reference population. Allele origin: germline.
Comment: The NM_012160.4:c.221C>G (NP_036292.2:p.Thr74Ser) [GRCH38: NC_000006.12:g.98926768G>C] variant in FBXL4 gene is interpretated to be a Uncertain Significance - Insufficient Evidence based on ACMG guidelines (PMID: 25741868). This variant meets one or more of the following evidence codes reported in the ACMG-guideline. PM2:This variant is absent in key population databases. Based on this evidence code ClinGen Pathogenicity Calculator (PMID:28081714) suggested that the variant is Uncertain Significance - Insufficient Evidence.